The following is an entry in ClinVar:

NM_000236.3(LIPC):c.1231G>C (p.Gly411Arg)

Gene: LIPC (lipase C, hepatic type; plus strand). Cytogenetic location: 15q21.3.
Variant type: single nucleotide variant.
Coding change: c.1231G>C on transcript NM_000236.3 (MANE Select); coding-DNA position 1231, G replaced by C.
Protein change: p.Gly411Arg; replaces glycine 411 with arginine.
Molecular consequence: missense variant.
Genome position (GRCh38, 1-based): chr15:58,563,566, G>C. VCF-style: chr15-58563566-G-C. GRCh37 (hg19) VCF-style: chr15-58855765-G-C.
Other names: short protein forms G411R.
Identifiers: ClinVar variation 2749519 (VCV002749519.3), dbSNP rs559266901, ClinGen allele CA7585173.

ClinVar aggregate classification (germline): Uncertain significance (1 of 4 stars; one submission).

gnomAD v4.1: 511 of 1,614,038 alleles (0.032%); highest among the groups gnomAD compares: Non-Finnish European, 0.042%; 1 homozygote.

Submission:

Labcorp Genetics (formerly Invitae), Labcorp
Classification: Uncertain significance. Last evaluated: 2025-08-06. Review status: criteria provided, single submitter. Criteria: Invitae Variant Classification Sherloc (09022015). Collection method: clinical testing. Allele origin: germline.
Comment: This sequence change replaces glycine, which is neutral and non-polar, with arginine, which is basic and polar, at codon 411 of the LIPC protein (p.Gly411Arg). This variant is present in population databases (rs559266901, gnomAD 0.04%). This missense change has been observed in individual(s) with dyslipidemia (PMID: 28870971, 32041611, 36325899). ClinVar contains an entry for this variant (Variation ID: 2749519). Invitae Evidence Modeling of protein sequence and biophysical properties (such as structural, functional, and spatial information, amino acid conservation, physicochemical variation, residue mobility, and thermodynamic stability) indicates that this missense variant is expected to disrupt LIPC protein function with a positive predictive value of 80%. In summary, the available evidence is currently insufficient to determine the role of this variant in disease. Therefore, it has been classified as a Variant of Uncertain Significance.

Literature cited by the submitters: PubMed 28870971; PubMed 32041611; PubMed 36325899.